The following is an entry in ClinVar:

ClinVar aggregate classification (germline): Uncertain significance (1 of 4 stars; one submission).

Allele frequency attached by ClinVar (database versions not stated): ExAC 0.00001; gnomAD 0.00001; TOPMed 0.00001; gnomAD exomes 0.00004.
gnomAD v4.1: 51 of 1,609,362 alleles (0.0032%); highest among the groups gnomAD compares: Non-Finnish European, 0.0042%; no homozygotes.

Submission:

Labcorp Genetics (formerly Invitae), Labcorp
Classification: Uncertain significance. Last evaluated: 2023-11-27. Review status: criteria provided, single submitter. Criteria: Invitae Variant Classification Sherloc (09022015). Collection method: clinical testing. Allele origin: germline.
Comment: This sequence change replaces isoleucine, which is neutral and non-polar, with valine, which is neutral and non-polar, at codon 564 of the TRRAP protein (p.Ile564Val). This variant is present in population databases (rs782504945, gnomAD 0.002%). This variant has not been reported in the literature in individuals affected with TRRAP-related conditions. Advanced modeling of protein sequence and biophysical properties (such as structural, functional, and spatial information, amino acid conservation, physicochemical variation, residue mobility, and thermodynamic stability) performed at Invitae indicates that this missense variant is not expected to disrupt TRRAP protein function with a negative predictive value of 80%. In summary, the available evidence is currently insufficient to determine the role of this variant in disease. Therefore, it has been classified as a Variant of Uncertain Significance.

NM_001375524.1(TRRAP):c.1690A>G (p.Ile564Val)

Gene: TRRAP (transformation/transcription domain associated protein; plus strand). Cytogenetic location: 7q22.1.
Variant type: single nucleotide variant.
Coding change: c.1690A>G on transcript NM_001375524.1 (MANE Select); coding-DNA position 1690, A replaced by G.
Protein change: p.Ile564Val; replaces isoleucine 564 with valine.
Molecular consequence: missense variant.
Genome position (GRCh38, 1-based): chr7:98,910,395, A>G. VCF-style: chr7-98910395-A-G. GRCh37 (hg19) VCF-style: chr7-98508018-A-G.
Other names: c.1690A>G, p.Ile564Val (NM_001244580.2, NM_003496.4); short protein forms I564V.
Identifiers: ClinVar variation 3012844 (VCV003012844.3), dbSNP rs782504945, ClinGen allele CA4359585.